The following is an entry in ClinVar:

NM_020778.5(ALPK3):c.1848A>G (p.Ile616Met)

Gene: ALPK3 (alpha kinase 3; plus strand). Cytogenetic location: 15q25.3.
Variant type: single nucleotide variant.
Coding change: c.1848A>G on transcript NM_020778.5 (MANE Select); coding-DNA position 1848, A replaced by G.
Protein change: p.Ile616Met; replaces isoleucine 616 with methionine.
Molecular consequence: missense variant.
Genome position (GRCh38, 1-based): chr15:84,856,586, A>G. VCF-style: chr15-84856586-A-G. GRCh37 (hg19) VCF-style: chr15-85399817-A-G.
Other names: c.2454A>G (NM_020778.4); short protein forms I616M.
Identifiers: ClinVar variation 2701297 (VCV002701297.4), dbSNP rs2505719092, ClinGen allele CA393354985.

ClinVar aggregate classification (germline): Conflicting classifications of pathogenicity. Review status: criteria provided, conflicting classifications (1 of 4 stars). 2 submissions from 2 submitters: Uncertain significance (1); Likely benign (1). Last evaluated 2025-04-07.

Conditions:
Cardiovascular phenotype. Identifiers: MedGen CN230736.

Allele frequency attached by ClinVar (database versions not stated): gnomAD exomes below 0.00001.
gnomAD v4.1: 1 of 1,614,206 alleles (0.000062%); highest among the groups gnomAD compares: Non-Finnish European, 0.000085%; no homozygotes.

Submissions (2):

Ambry Genetics
Classification: Likely benign for Cardiovascular phenotype. Last evaluated: 2025-04-07. Review status: criteria provided, single submitter. Criteria: Ambry Variant Classification Scheme 2023. Collection method: clinical testing. Allele origin: germline.

Labcorp Genetics (formerly Invitae), Labcorp
Classification: Uncertain significance. Last evaluated: 2023-12-06. Review status: criteria provided, single submitter. Criteria: Invitae Variant Classification Sherloc (09022015). Collection method: clinical testing. Allele origin: germline.
Comment: This sequence change replaces isoleucine, which is neutral and non-polar, with methionine, which is neutral and non-polar, at codon 818 of the ALPK3 protein (p.Ile818Met). This variant is not present in population databases (gnomAD no frequency). This variant has not been reported in the literature in individuals affected with ALPK3-related conditions. Algorithms developed to predict the effect of missense changes on protein structure and function output the following: SIFT: "Not Available"; PolyPhen-2: "Benign"; Align-GVGD: "Not Available". The methionine amino acid residue is found in multiple mammalian species, which suggests that this missense change does not adversely affect protein function. In summary, the available evidence is currently insufficient to determine the role of this variant in disease. Therefore, it has been classified as a Variant of Uncertain Significance.